The following is an entry in ClinVar:

ClinVar aggregate classification (germline): Uncertain significance. Review status: criteria provided, multiple submitters, no conflicts (2 of 4 stars). 3 submissions from 3 submitters: Uncertain significance (3). Last evaluated 2025-01-09.

Conditions:
Basal cell carcinoma, susceptibility to, 1. Also called: BCC1. Identifiers: MedGen C2751544, MONDO:0011556, OMIM 605462.
Holoprosencephaly 7 (HPE7). Identifiers: Orphanet 2162, MedGen C1835820, MONDO:0012562, OMIM 610828.
Basal cell nevus syndrome 1 (BCNS1). Also called: GORLIN-GOLTZ SYNDROME; MULTIPLE BASAL CELL NEVI, ODONTOGENIC KERATOCYSTS, AND SKELETAL ANOMALIES. Identifiers: MedGen CN376810, MONDO:0958174, OMIM 109400.
Hereditary cancer-predisposing syndrome. Also called: Neoplastic Syndromes, Hereditary; Hereditary Cancer Syndrome; Hereditary neoplastic syndrome; Tumor predisposition. Identifiers: Orphanet 140162, MedGen C0027672, MeSH D009386, MONDO:0015356.
Gorlin syndrome. Also called: Nevoid Basal Cell Carcinoma Syndrome; Basal cell nevus syndrome. Identifiers: Orphanet 377, MedGen C0004779, MONDO:0007187.

Allele frequency attached by ClinVar (database versions not stated): gnomAD 0.00001; TOPMed 0.00001.
gnomAD v4.1: 1 of 1,612,878 alleles (0.000062%); highest among the groups gnomAD compares: African/African-American, 0.0013%; no homozygotes.

Submissions (3):

Ambry Genetics
Classification: Uncertain significance for Hereditary cancer-predisposing syndrome. Last evaluated: 2025-01-09. Review status: criteria provided, single submitter. Criteria: Ambry Variant Classification Scheme 2023. Collection method: clinical testing. Allele origin: germline.
Comment: The p.P1352R variant (also known as c.4055C>G), located in coding exon 23 of the PTCH1 gene, results from a C to G substitution at nucleotide position 4055. The proline at codon 1352 is replaced by arginine, an amino acid with dissimilar properties. This amino acid position is well conserved in available vertebrate species. In addition, the in silico prediction for this alteration is inconclusive. Since supporting evidence is limited at this time, the clinical significance of this alteration remains unclear.

Fulgent Genetics
Classification: Uncertain significance for Basal cell nevus syndrome 1; Basal cell carcinoma, susceptibility to, 1; Holoprosencephaly 7. Last evaluated: 2024-05-29. Review status: criteria provided, single submitter. Criteria: ACMG Guidelines, 2015. Collection method: clinical testing. Allele origin: germline.

Labcorp Genetics (formerly Invitae), Labcorp
Classification: Uncertain significance for Gorlin syndrome. Last evaluated: 2024-02-09. Review status: criteria provided, single submitter. Criteria: Invitae Variant Classification Sherloc (09022015). Collection method: clinical testing. Allele origin: germline.
Comment: This sequence change replaces proline, which is neutral and non-polar, with arginine, which is basic and polar, at codon 1352 of the PTCH1 protein (p.Pro1352Arg). This variant is not present in population databases (gnomAD no frequency). This variant has not been reported in the literature in individuals affected with PTCH1-related conditions. ClinVar contains an entry for this variant (Variation ID: 824544). Advanced modeling of protein sequence and biophysical properties (such as structural, functional, and spatial information, amino acid conservation, physicochemical variation, residue mobility, and thermodynamic stability) performed at Invitae indicates that this missense variant is not expected to disrupt PTCH1 protein function with a negative predictive value of 95%. In summary, the available evidence is currently insufficient to determine the role of this variant in disease. Therefore, it has been classified as a Variant of Uncertain Significance.

NM_000264.5(PTCH1):c.4055C>G (p.Pro1352Arg)

Gene: PTCH1 (patched 1; minus strand). Cytogenetic location: 9q22.32.
Variant type: single nucleotide variant.
Coding change: c.4055C>G on transcript NM_000264.5 (MANE Select); coding-DNA position 4055, C replaced by G.
Protein change: p.Pro1352Arg; replaces proline 1352 with arginine.
Molecular consequence: missense variant. On other transcripts: non-coding transcript variant (1).
Genome position (GRCh38, 1-based): chr9:95,447,201, G>C on the plus strand (C>G on the coding strand, the complement: PTCH1 is on the minus strand). VCF-style: chr9-95447201-G-C. GRCh37 (hg19) VCF-style: chr9-98209483-G-C.
Other names: c.3857C>G, p.Pro1286Arg (NM_001083602.3); c.4052C>G, p.Pro1351Arg (NM_001083603.3); c.3602C>G, p.Pro1201Arg (NM_001083604.3, NM_001083605.3, NM_001083606.3 and 1 more transcripts); c.3899C>G, p.Pro1300Arg (NM_001354918.2); short protein forms P1286R, P1201R, P1300R, P1351R, P1352R.
Identifiers: ClinVar variation 824544 (VCV000824544.16), dbSNP rs1022984391, ClinGen allele CA196558024.